The following is an entry in ClinVar:

NM_006306.4(SMC1A):c.2743A>G (p.Ile915Val)

Gene: SMC1A (structural maintenance of chromosomes 1A; minus strand). Cytogenetic location: Xp11.22.
Variant type: single nucleotide variant.
Coding change: c.2743A>G on transcript NM_006306.4 (MANE Select); coding-DNA position 2743, A replaced by G.
Protein change: p.Ile915Val; replaces isoleucine 915 with valine.
Molecular consequence: missense variant.
Genome position (GRCh38, 1-based): chrX:53,396,346, T>C on the plus strand (A>G on the coding strand, the complement: SMC1A is on the minus strand). VCF-style: chrX-53396346-T-C. GRCh37 (hg19) VCF-style: chrX-53423266-T-C.
Other names: c.2677A>G, p.Ile893Val (NM_001281463.1); short protein forms I893V, I915V.
Identifiers: ClinVar variation 3342094 (VCV003342094.16).

ClinVar aggregate classification (germline): Uncertain significance (1 of 4 stars; one submission).

gnomAD v4.1: 1 of 1,211,789 alleles (0.000083%); highest among the groups gnomAD compares: Non-Finnish European, 0.00011%; no homozygotes.

Submission:

CeGaT Center for Human Genetics Tuebingen
Classification: Uncertain significance. Last evaluated: 2024-08-01. Review status: criteria provided, single submitter. Criteria: CeGaT Center For Human Genetics Tuebingen Variant Classification Criteria Version 2. Collection method: clinical testing. Allele origin: germline. Affected: yes. Observed: 1 variant allele.
Comment: SMC1A: PP2